The following is an entry in ClinVar:

NM_006946.4(SPTBN2):c.6365C>T (p.Thr2122Ile)

Gene: SPTBN2 (spectrin beta, non-erythrocytic 2; minus strand). Cytogenetic location: 11q13.2.
Variant type: single nucleotide variant.
Coding change: c.6365C>T on transcript NM_006946.4 (MANE Select); coding-DNA position 6365, C replaced by T.
Protein change: p.Thr2122Ile; replaces threonine 2122 with isoleucine.
Molecular consequence: missense variant.
Genome position (GRCh38, 1-based): chr11:66,688,178, G>A on the plus strand (C>T on the coding strand, the complement: SPTBN2 is on the minus strand). VCF-style: chr11-66688178-G-A. GRCh37 (hg19) VCF-style: chr11-66455649-G-A.
Other names: short protein forms T2122I.
Identifiers: ClinVar variation 1703325 (VCV001703325.3), dbSNP rs371560959, ClinGen allele CA224075477.
Genomic context (GRCh38, chr11:66,688,178, plus strand): 5'-GGGTGGCCTGGGCTCAGCCGCCTCCTCCTACCCAGGCATCCTGGCTCTCACCCGTCCCAG[G>A]TGGTGTCAGAAGCTGTCTGGCCGCCCACCAGGTCCCCTGGAGGCACACTGGCTGTGGGTT-3'
Protein context (NP_008877.2, residues 2112-2132): LVGGQTASDT[Thr2122Ile]WDGTQPRPPP

ClinVar aggregate classification (germline): Uncertain significance. Review status: criteria provided, multiple submitters, no conflicts (2 of 4 stars). 2 submissions from 2 submitters: Uncertain significance (2). Last evaluated 2024-09-19.

Allele frequency attached by ClinVar (database versions not stated): TOPMed below 0.00001; ESP Exome Variant Server 0.00008.

Submissions (2):

Women's Health and Genetics/Laboratory Corporation of America, LabCorp
Classification: Uncertain significance. Last evaluated: 2024-09-19. Review status: criteria provided, single submitter. Criteria: LabCorp Variant Classification Summary - May 2015. Collection method: clinical testing. Allele origin: germline.
Comment: Variant summary: SPTBN2 c.6365C>T (p.Thr2122Ile) results in a non-conservative amino acid change in the encoded protein sequence. Four of five in-silico tools predict a benign effect of the variant on protein function. The variant was absent in 250710 control chromosomes. The available data on variant occurrences in the general population are insufficient to allow any conclusion about variant significance. To our knowledge, no occurrence of c.6365C>T in individuals affected with Spinocerebellar Ataxia 5 and no experimental evidence demonstrating its impact on protein function have been reported. ClinVar contains an entry for this variant (Variation ID: 1703325). Based on the evidence outlined above, the variant was classified as uncertain significance.

GeneDx
Classification: Uncertain significance. Last evaluated: 2022-02-26. Review status: criteria provided, single submitter. Criteria: GeneDx Variant Classification Process June 2021. Collection method: clinical testing. Allele origin: germline. Affected: yes.
Comment: Has not been previously published as pathogenic or benign to our knowledge; Not observed at significant frequency in large population cohorts (gnomAD); In silico analysis supports that this missense variant does not alter protein structure/function